The following is an entry in ClinVar:

NM_005476.7(GNE):c.1060C>T (p.Gln354Ter)

Gene: GNE (glucosamine (UDP-N-acetyl)-2-epimerase/N-acetylmannosamine kinase; minus strand). Cytogenetic location: 9p13.3.
Variant type: single nucleotide variant.
Coding change: c.1060C>T on transcript NM_005476.7 (MANE Select); coding-DNA position 1060, C replaced by T.
Protein change: p.Gln354Ter; replaces glutamine 354 with a stop codon.
Molecular consequence: nonsense.
Genome position (GRCh38, 1-based): chr9:36,229,031, G>A on the plus strand (C>T on the coding strand, the complement: GNE is on the minus strand). VCF-style: chr9-36229031-G-A. GRCh37 (hg19) VCF-style: chr9-36229028-G-A.
Other names: c.1153C>T, p.Gln385Ter (NM_001128227.3); c.1060C>T, p.Gln354Ter (NM_001190383.3); c.730C>T, p.Gln244Ter (NM_001190384.3); c.883C>T, p.Gln295Ter (NM_001190388.2, NM_001374798.1); c.907C>T, p.Gln303Ter (NM_001374797.1); short protein forms Q244*, Q385*, Q295*, Q354*, Q303*.
Identifiers: ClinVar variation 2951336 (VCV002951336.4), dbSNP rs1829025291, ClinGen allele CA373429899.

ClinVar aggregate classification (germline): Pathogenic. Review status: criteria provided, multiple submitters, no conflicts (2 of 4 stars). 2 submissions from 2 submitters: Pathogenic (2). Last evaluated 2024-08-07.

Conditions:
Sialuria. Also called: SIALURIA, FRENCH TYPE; Sialic Acid Storage Disease. Identifiers: Orphanet 3166, MedGen C0342853, MONDO:0010028, OMIM 269921.
GNE myopathy (NM). Also called: NONAKA DISTAL MYOPATHY; IBM 2; Inclusion body myopathy autosomal recessive; Inclusion body myopathy quadriceps sparing; INCLUSION BODY MYOPATHY, HEREDITARY, AUTOSOMAL RECESSIVE; INCLUSION BODY MYOPATHY 2, AUTOSOMAL RECESSIVE. Identifiers: Orphanet 602, MedGen C1853926, MONDO:0011603, OMIM 605820.

Submissions (2):

Myriad Genetics, Inc.
Classification: Pathogenic for GNE myopathy. Last evaluated: 2024-08-07. Review status: criteria provided, single submitter. Criteria: Myriad Autosomal Dominant, Autosomal Recessive and X-Linked Classification Criteria (2023). Collection method: clinical testing. Allele origin: unknown.
Comment: NM_001128227.2(GNE):c.1153C>T(Q385*) is expected to be pathogenic in the context of GNE myopathy. This variant is predicted to lead to an abnormal or absent protein product due to the creation of a premature termination codon in GNE, a gene where loss-of-function variants are known to be pathogenic. Please note: this variant was assessed in the context of healthy population screening.

Labcorp Genetics (formerly Invitae), Labcorp
Classification: Pathogenic for Sialuria; GNE myopathy. Last evaluated: 2023-08-28. Review status: criteria provided, single submitter. Criteria: Invitae Variant Classification Sherloc (09022015). Collection method: clinical testing. Allele origin: germline.
Comment: This variant has not been reported in the literature in individuals affected with GNE-related conditions. For these reasons, this variant has been classified as Pathogenic. This sequence change creates a premature translational stop signal (p.Gln385*) in the GNE gene. It is expected to result in an absent or disrupted protein product. Loss-of-function variants in GNE are known to be pathogenic (PMID: 24027297). This variant is not present in population databases (gnomAD no frequency).

Literature cited by the submitters: PubMed 24027297 (cited by Labcorp Genetics (formerly Invitae), Labcorp).